The following is an entry in ClinVar:

NM_000157.4(GBA1):c.1354A>C (p.Lys452Gln)

Genes: GBA1 (glucosylceramidase beta 1; minus strand), LOC106627981 (GBA recombination region; plus strand). Cytogenetic location: 1q22.
Variant type: single nucleotide variant.
Coding change: c.1354A>C on transcript NM_000157.4 (MANE Select); coding-DNA position 1354, A replaced by C.
Protein change: p.Lys452Gln; replaces lysine 452 with glutamine.
Molecular consequence: missense variant.
Genome position (GRCh38, 1-based): chr1:155,235,715, T>G on the plus strand (A>C on the coding strand, the complement: GBA1 is on the minus strand). VCF-style: chr1-155235715-T-G. GRCh37 (hg19) VCF-style: chr1-155205506-T-G.
Other names: c.1354A>C, p.Lys452Gln (NM_001005741.3, NM_001005742.3); c.1093A>C, p.Lys365Gln (NM_001171811.2); c.1207A>C, p.Lys403Gln (NM_001171812.2); short protein forms K365Q, K403Q, K452Q.
Identifiers: ClinVar variation 4817718 (VCV004817718.1).
Genomic context (GRCh38, chr1:155,235,715, plus strand): 5'-AATGGGGGTGCCCGCCCTCCACTCACCTGAAGTGGCCAAGGTGGTAGAACATGGGCTGTT[T>G]GTAAAACGTGTCCTTGGTGATGTCTACAATGATGGGACTGTCGACAAAGTTACGCACCCA-3'
Protein context (NP_000148.2, residues 442-462): IVDITKDTFY[Lys452Gln]QPMFYHLGHF

ClinVar aggregate classification (germline): Likely pathogenic (1 of 4 stars; one submission).

Conditions:
Gaucher disease. Also called: Acute cerebral Gaucher disease; Cerebroside lipidosis syndrome; Gaucher splenomegaly; Sphingolipidosis 1; Glucocerebrosidosis; Glucosylceramidase deficiency. Identifiers: Orphanet 355, MedGen C0017205, MONDO:0018150.

Submission:

Natera, Inc.
Classification: Likely pathogenic for Gaucher disease. Last evaluated: 2025-11-18. Review status: criteria provided, single submitter. Criteria: Natera Variant Classification Schema (03/2026). Collection method: clinical testing. Allele origin: germline.
Comment: The c.1354A>C variant in GBA1 is a missense variant predicted to cause substitution of lysine to glutamine at amino acid 452. This variant is rare in the general population with a frequency below the threshold expected for the associated phenotype(s). This variant has been observed in one or more individuals affected with the associated recessive disease, as either homozygous or compound heterozygous with a second variant (PMID: 9061570). Functional studies show that this variant may disrupt protein function (PMID: 9061570). Computational prediction algorithms indicate this variant is likely to affect gene or protein function. Given the available evidence, this variant is classified as Likely Pathogenic.

Literature cited by the submitters: PubMed 9061570.